The following is an entry in ClinVar:

NM_018979.4(WNK1):c.5481A>G (p.Thr1827=)

Gene: WNK1 (WNK lysine deficient protein kinase 1; plus strand). Cytogenetic location: 12p13.33.
Variant type: single nucleotide variant.
Coding change: c.5481A>G on transcript NM_018979.4 (MANE Select); coding-DNA position 5481, A replaced by G.
Protein change: p.Thr1827=; no amino-acid change (threonine 1827 retained).
Molecular consequence: synonymous variant.
Genome position (GRCh38, 1-based): chr12:890,485, A>G. VCF-style: chr12-890485-A-G. GRCh37 (hg19) VCF-style: chr12-999651-A-G.
Other names: p.Thr1827=; c.6261A>G, p.Thr2087= (NM_001184985.2); c.4740A>G, p.Thr1580= (NM_014823.3); c.6237A>G, p.Thr2079= (NM_213655.5).
Identifiers: ClinVar variation 310837 (VCV000310837.19), dbSNP rs61736908, ClinGen allele CA6383203.

ClinVar aggregate classification (germline): Benign/Likely benign. Review status: criteria provided, multiple submitters, no conflicts (2 of 4 stars). 5 submissions from 5 submitters: Benign (4); Likely benign (1). Last evaluated 2026-01-22.

Conditions:
Neuropathy, hereditary sensory and autonomic, type 2A (HSAN2A). Also called: ACROOSTEOLYSIS, GIACCAI TYPE; ACROOSTEOLYSIS, NEUROGENIC; MORVAN DISEASE; NEUROPATHY, CONGENITAL SENSORY; NEUROPATHY, HEREDITARY SENSORY RADICULAR, AUTOSOMAL RECESSIVE; NEUROPATHY, HEREDITARY SENSORY, TYPE IIA. Identifiers: Orphanet 970, MedGen C2752089, MONDO:0024309, OMIM 201300.
Pseudohypoaldosteronism type 2C (PHA2C). Also called: Pseudohypoaldosteronism Type IIC. Identifiers: Orphanet 757, Orphanet 88940, MedGen C1840391, MONDO:0013778, OMIM 614492.

Allele frequency attached by ClinVar (database versions not stated): gnomAD exomes 0.00060 and 0.00155; ExAC 0.00194; 1000 Genomes Project 0.00519; 1000 Genomes Project 30x 0.00609; gnomAD 0.00626 and 0.00679; TOPMed 0.00682; ESP Exome Variant Server 0.00792.
gnomAD v4.1: 1,853 of 1,614,166 alleles (0.11%); highest among the groups gnomAD compares: African/African-American, 2.3%; 28 homozygotes.

Submissions (5):

Labcorp Genetics (formerly Invitae), Labcorp
Classification: Benign for Neuropathy, hereditary sensory and autonomic, type 2A; Pseudohypoaldosteronism type 2C. Last evaluated: 2026-01-22. Review status: criteria provided, single submitter. Criteria: Invitae Variant Classification Sherloc (09022015). Collection method: clinical testing. Allele origin: germline.

Mayo Clinic Laboratories, Mayo Clinic
Classification: Benign. Last evaluated: 2025-04-21. Review status: criteria provided, single submitter. Criteria: ACMG Guidelines, 2015. Collection method: clinical testing. Allele origin: germline. Observed: 6 variant alleles.
Comment: BS1, BS2, BP4, BP7

ARUP Laboratories, Molecular Genetics and Genomics, ARUP Laboratories
Classification: Benign. Last evaluated: 2024-03-08. Review status: criteria provided, single submitter. Criteria: ARUP Molecular Germline Variant Investigation Process 2024. Collection method: clinical testing. Allele origin: germline.

GeneDx
Classification: Likely benign. Last evaluated: 2018-07-06. Review status: criteria provided, single submitter. Criteria: GeneDx Variant Classification Process June 2021. Collection method: clinical testing. Allele origin: germline. Affected: yes.

Illumina Laboratory Services, Illumina
Classification: Benign for Pseudohypoaldosteronism type 2C. Last evaluated: 2018-01-12. Review status: criteria provided, single submitter. Criteria: ICSL Variant Classification Criteria 13 December 2019. Collection method: clinical testing. Allele origin: germline.
Comment: This variant was observed in the ICSL laboratory as part of a predisposition screen in an ostensibly healthy population. It had not been previously curated by ICSL or reported in the Human Gene Mutation Database (HGMD: prior to June 1st, 2018), and was therefore a candidate for classification through an automated scoring system. Utilizing variant allele frequency, disease prevalence and penetrance estimates, and inheritance mode, an automated score was calculated to assess if this variant is too frequent to cause the disease. Based on the score and internal cut-off values, a variant classified as benign is not then subjected to further curation. The score for this variant resulted in a classification of benign for this disease.